The following is an entry in ClinVar:

NM_138927.4(SON):c.5813G>A (p.Arg1938Gln)

Gene: SON (SON DNA and RNA binding protein; plus strand). Cytogenetic location: 21q22.11.
Variant type: single nucleotide variant.
Coding change: c.5813G>A on transcript NM_138927.4 (MANE Select); coding-DNA position 5813, G replaced by A.
Protein change: p.Arg1938Gln; replaces arginine 1938 with glutamine.
Molecular consequence: missense variant. On other transcripts: non-coding transcript variant (1), intron variant (1).
Genome position (GRCh38, 1-based): chr21:33,555,044, G>A. VCF-style: chr21-33555044-G-A. GRCh37 (hg19) VCF-style: chr21-34927350-G-A.
Other names: c.5813G>A, p.Arg1938Gln (NM_001291411.2, NM_032195.3); c.245-2112G>A (NM_001291412.3); short protein forms R1938Q.
Identifiers: ClinVar variation 1347527 (VCV001347527.13), dbSNP rs749851530, ClinGen allele CA10009811.

ClinVar aggregate classification (germline): Conflicting classifications of pathogenicity. Review status: criteria provided, conflicting classifications (1 of 4 stars). 3 submissions from 3 submitters: Likely pathogenic (1); Uncertain significance (2). Last evaluated 2025-11-01.

Conditions:
ZTTK syndrome (ZTTKS). Also called: ZTTK MULTIPLE CONGENITAL ANOMALIES-MENTAL RETARDATION SYNDROME; Zhu-Tokita-Takenouchi-Kim Syndrome. Identifiers: Orphanet 500150, MedGen C4310696, MONDO:0014936, OMIM 617140.

Allele frequency attached by ClinVar (database versions not stated): gnomAD exomes below 0.00001; ExAC 0.00001; TOPMed 0.00001.
gnomAD v4.1: 2 of 1,612,846 alleles (0.00012%); highest among the groups gnomAD compares: Non-Finnish European, 0.00017%; no homozygotes.

Submissions (3):

CeGaT Center for Human Genetics Tuebingen
Classification: Uncertain significance. Last evaluated: 2025-11-01. Review status: criteria provided, single submitter. Criteria: CeGaT Center For Human Genetics Tuebingen Variant Classification Criteria Version 2. Collection method: clinical testing. Allele origin: germline. Affected: yes. Observed: 1 variant allele.
Comment: SON: PP2

Medgenome Labs Ltd
Classification: Likely pathogenic for ZTTK syndrome. Last evaluated: 2025-04-07. Review status: criteria provided, single submitter. Criteria: ACMG Guidelines, 2015. Collection method: clinical testing. Allele origin: de novo. Affected: yes.

Labcorp Genetics (formerly Invitae), Labcorp
Classification: Uncertain significance. Last evaluated: 2024-04-17. Review status: criteria provided, single submitter. Criteria: Invitae Variant Classification Sherloc (09022015). Collection method: clinical testing. Allele origin: germline.
Comment: This sequence change replaces arginine, which is basic and polar, with glutamine, which is neutral and polar, at codon 1938 of the SON protein (p.Arg1938Gln). This variant is not present in population databases (gnomAD no frequency). This variant has not been reported in the literature in individuals affected with SON-related conditions. ClinVar contains an entry for this variant (Variation ID: 1347527). Experimental studies and prediction algorithms are not available or were not evaluated, and the functional significance of this variant is currently unknown. In summary, the available evidence is currently insufficient to determine the role of this variant in disease. Therefore, it has been classified as a Variant of Uncertain Significance.